The following is an entry in ClinVar:

NM_015346.4(ZFYVE26):c.921_925del (p.Met307fs)

Gene: ZFYVE26 (zinc finger FYVE-type containing 26; minus strand). Cytogenetic location: 14q24.1.
Variant type: Deletion.
Coding change: c.921_925del on transcript NM_015346.4 (MANE Select); coding-DNA positions 921 to 925, 5 bases deleted (GCTAG; older notation c.921_925delGCTAG).
Protein change: p.Met307fs; shifts the reading frame from methionine 307.
Molecular consequence: frameshift variant.
Genome position (GRCh38, 1-based): chr14:67,806,637-67,806,641, CTAGC deleted on the plus strand (GCTAG on the coding strand, the reverse complement: ZFYVE26 is on the minus strand). VCF-style (leftmost placement, unchanged base first): chr14-67806636-GCTAGC-G. GRCh37 (hg19) VCF-style: chr14-68273353-GCTAGC-G.
Other names: short protein forms M307fs.
Identifiers: ClinVar variation 5015370 (VCV005015370.1).

ClinVar aggregate classification (germline): Pathogenic (1 of 4 stars; one submission).

Conditions:
Hereditary spastic paraplegia 15 (SPG15). Also called: SPASTIC PARAPLEGIA 15, AUTOSOMAL RECESSIVE; KJELLIN SYNDROME; SPASTIC PARAPLEGIA AND RETINAL DEGENERATION. Identifiers: Orphanet 100996, MedGen C1849128, MONDO:0010044, OMIM 270700.

Submission:

Myriad Genetics, Inc.
Classification: Pathogenic for Hereditary spastic paraplegia 15. Last evaluated: 2025-12-25. Review status: criteria provided, single submitter. Criteria: Myriad Autosomal Dominant, Autosomal Recessive and X-Linked Classification Criteria (2023). Collection method: clinical testing. Allele origin: unknown.
Comment: NM_015346.3(ZFYVE26):c.921_925del5(M307Ifs*51) is expected to be pathogenic in the context of spastic paraplegia type 15. This variant is predicted to lead to an abnormal or absent protein product due to the creation of a premature termination codon in ZFYVE26, a gene where loss-of-function variants are known to be pathogenic. Please note: this variant was assessed in the context of healthy population screening.